The following is an entry in ClinVar:

ClinVar aggregate classification (germline): Uncertain significance (1 of 4 stars; one submission).

Submission:

Dasa
Classification: Uncertain significance. Last evaluated: 2024-09-10. Review status: criteria provided, single submitter. Criteria: DASA Assertion Criteria. Collection method: clinical testing. Allele origin: germline.
Comment: NM_006015.6(ARID1A):c.1552T>C (p.Tyr518His) is a missense variant that results in the substitution of tyrosine with histidine. This variant is absent from population databases. Computational prediction algorithms are consistent with a benign effect. The currently available literature and clinical evidence are not sufficient to establish a definitive association between this variant and the reported condition. Therefore, this variant is classified as a variant of uncertain significance.

NM_006015.6(ARID1A):c.1552T>C (p.Tyr518His)

Gene: ARID1A (AT-rich interaction domain 1A; plus strand). Cytogenetic location: 1p36.11.
Variant type: single nucleotide variant.
Coding change: c.1552T>C on transcript NM_006015.6 (MANE Select); coding-DNA position 1552, T replaced by C.
Protein change: p.Tyr518His; replaces tyrosine 518 with histidine.
Molecular consequence: missense variant.
Genome position (GRCh38, 1-based): chr1:26,731,353, T>C. VCF-style: chr1-26731353-T-C. GRCh37 (hg19) VCF-style: chr1-27057844-T-C.
Other names: c.1552T>C, p.Tyr518His (NM_139135.4); short protein forms Y518H.
Identifiers: ClinVar variation 4885225 (VCV004885225.2).